The following is an entry in ClinVar:

NM_016169.4(SUFU):c.1350G>C (p.Leu450Phe)

Gene: SUFU (SUFU negative regulator of hedgehog signaling; plus strand). Cytogenetic location: 10q24.32.
Variant type: single nucleotide variant.
Coding change: c.1350G>C on transcript NM_016169.4 (MANE Select); coding-DNA position 1350, G replaced by C.
Protein change: p.Leu450Phe; replaces leucine 450 with phenylalanine.
Molecular consequence: missense variant.
Genome position (GRCh38, 1-based): chr10:102,627,228, G>C. VCF-style: chr10-102627228-G-C. GRCh37 (hg19) VCF-style: chr10-104386985-G-C.
Other names: short protein forms L450F.
Identifiers: ClinVar variation 1371208 (VCV001371208.8), dbSNP rs2135954349, ClinGen allele CA377918841.

ClinVar aggregate classification (germline): Uncertain significance (1 of 4 stars; one submission).

Conditions:
Gorlin syndrome. Also called: Basal cell nevus syndrome; Nevoid Basal Cell Carcinoma Syndrome. Identifiers: Orphanet 377, MedGen C0004779, MONDO:0007187.
Medulloblastoma (MDB). Also called: MEDULLOBLASTOMA PREDISPOSITION SYNDROME; Medulloblastoma, somatic. Identifiers: Orphanet 616, MedGen C0025149, MeSH D008527, MONDO:0007959, OMIM 155255, HP:0002885.

Allele frequency attached by ClinVar (database versions not stated): gnomAD exomes below 0.00001.
gnomAD v4.1: 2 of 1,614,216 alleles (0.00012%); highest among the groups gnomAD compares: African/African-American, 0.0013%; no homozygotes.

Submission:

Labcorp Genetics (formerly Invitae), Labcorp
Classification: Uncertain significance for Gorlin syndrome; Medulloblastoma. Last evaluated: 2024-02-17. Review status: criteria provided, single submitter. Criteria: Invitae Variant Classification Sherloc (09022015). Collection method: clinical testing. Allele origin: germline.
Comment: This sequence change replaces leucine, which is neutral and non-polar, with phenylalanine, which is neutral and non-polar, at codon 450 of the SUFU protein (p.Leu450Phe). This variant is not present in population databases (gnomAD no frequency). This variant has not been reported in the literature in individuals affected with SUFU-related conditions. ClinVar contains an entry for this variant (Variation ID: 1371208). Advanced modeling of protein sequence and biophysical properties (such as structural, functional, and spatial information, amino acid conservation, physicochemical variation, residue mobility, and thermodynamic stability) performed at Invitae indicates that this missense variant is not expected to disrupt SUFU protein function with a negative predictive value of 80%. In summary, the available evidence is currently insufficient to determine the role of this variant in disease. Therefore, it has been classified as a Variant of Uncertain Significance.